The following is an entry in ClinVar:

NM_002184.4(IL6ST):c.1552+3A>C

Gene: IL6ST (interleukin 6 cytokine family signal transducer; minus strand). Cytogenetic location: 5q11.2.
Variant type: single nucleotide variant.
Coding change: c.1552+3A>C on transcript NM_002184.4 (MANE Select); 3 bases into the intron after coding-DNA position 1552, A replaced by C.
Molecular consequence: intron variant.
Genome position (GRCh38, 1-based): chr5:55,952,247, T>G on the plus strand (A>C on the coding strand, the complement: IL6ST is on the minus strand). VCF-style: chr5-55952247-T-G. GRCh37 (hg19) VCF-style: chr5-55248075-T-G.
Other names: IVS12DS, A-C, +3; c.1342+3A>C (NM_001364276.2); c.556+3A>C (NM_001364279.2); c.649+3A>C (NM_001364278.2); c.685+3A>C (NM_001364277.2); c.479+3A>C (NM_175767.3); c.1369+3A>C (NM_001190981.2); c.1451-172A>C (NM_001364275.2).
Identifiers: ClinVar variation 636253 (VCV000636253.9), dbSNP rs1580801563, ClinGen allele CA915943352.

ClinVar aggregate classification (germline): Uncertain significance. Review status: criteria provided, multiple submitters, no conflicts (2 of 4 stars). 3 submissions from 3 submitters: Uncertain significance (2). 1 of the submissions does not count toward it. Last evaluated 2022-09-06.

Conditions:
Hyper-IgE recurrent infection syndrome 4, autosomal recessive. Also called: HYPER-IgE RECURRENT INFECTION SYNDROME 4B, AUTOSOMAL RECESSIVE; HYPER-IgE SYNDROME 4B, AUTOSOMAL RECESSIVE, WITH RECURRENT INFECTIONS. Identifiers: MedGen C5193141, MONDO:0032796, OMIM 618523.
GP130-deficient hyper-IgE syndrome.

Allele frequency attached by ClinVar (database versions not stated): gnomAD exomes below 0.00001.
gnomAD v4.1: 1 of 1,600,886 alleles (0.000062%); highest among the groups gnomAD compares: Non-Finnish European, 0.000085%; no homozygotes.

Submissions (3):

Labcorp Genetics (formerly Invitae), Labcorp
Classification: Uncertain significance. Last evaluated: 2022-09-06. Review status: criteria provided, single submitter. Criteria: Invitae Variant Classification Sherloc (09022015). Collection method: clinical testing. Allele origin: germline.
Comment: In summary, the available evidence is currently insufficient to determine the role of this variant in disease. Therefore, it has been classified as a Variant of Uncertain Significance. Variants that disrupt the consensus splice site are a relatively common cause of aberrant splicing (PMID: 17576681, 9536098). Studies have shown that this variant results in skipping of exon 12, but is expected to preserve the integrity of the reading-frame (PMID: 33771552). ClinVar contains an entry for this variant (Variation ID: 636253). This variant has been observed in individual(s) with hyper-IgE syndrome (PMID: 33771552). This variant is not present in population databases (gnomAD no frequency). This sequence change falls in intron 12 of the IL6ST gene. It does not directly change the encoded amino acid sequence of the IL6ST protein. RNA analysis indicates that this variant induces altered splicing and likely results in a shortened protein product.

Undiagnosed Diseases Network, NIH
Classification: Uncertain significance for GP130-deficient hyper-IgE syndrome. Last evaluated: 2019-01-23. Review status: criteria provided, single submitter. Criteria: ACMG Guidelines, 2015. Collection method: clinical testing. Allele origin: maternal. Inheritance: Autosomal recessive inheritance. Affected: yes. Observed: 1 variant allele, 1 compound heterozygote.

OMIM
Classification: Pathogenic for HYPER-IgE SYNDROME 4B, AUTOSOMAL RECESSIVE, WITH RECURRENT INFECTIONS. Last evaluated: 2023-10-05. Review status: no assertion criteria provided. Collection method: literature only. Allele origin: germline. Not counted in ClinVar's aggregate classification.

Literature cited by the submitters: PubMed 17576681 (cited by Labcorp Genetics (formerly Invitae), Labcorp); PubMed 9536098 (cited by Labcorp Genetics (formerly Invitae), Labcorp); PubMed 33771552 (cited by Labcorp Genetics (formerly Invitae), Labcorp and OMIM); PubMed 30309848 (cited by Undiagnosed Diseases Network, NIH); PubMed 28747427 (cited by Undiagnosed Diseases Network, NIH).